The following is an entry in ClinVar:

ClinVar aggregate classification (germline): Pathogenic. Review status: criteria provided, multiple submitters, no conflicts (2 of 4 stars). 2 submissions from 2 submitters: Pathogenic (2). Last evaluated 2021-03-04.

Conditions:
Familial thoracic aortic aneurysm and aortic dissection (TAAD). Also called: Thoracic aortic aneurysms and dissections. Identifiers: Orphanet 91387, MedGen C4707243, MONDO:0019625.

Submissions (2):

GeneDx
Classification: Pathogenic. Last evaluated: 2021-03-04. Review status: criteria provided, single submitter. Criteria: GeneDx Variant Classification Process June 2021. Collection method: clinical testing. Allele origin: germline. Affected: yes.
Comment: Not observed in large population cohorts (Lek et al., 2016); Canonical splice site variant expected to result in aberrant splicing, although in the absence of functional evidence the actual effect of this sequence change is unknown.; Deletions involving coding exons of this gene are a known mechanism of disease (Stenson et al., 2014); Reported in ClinVar as pathogenic (ClinVar Variant ID# 519724; Landrum et al., 2016); This variant is associated with the following publications: (PMID: 27611364)

Ambry Genetics
Classification: Pathogenic for Familial thoracic aortic aneurysm and aortic dissection. Last evaluated: 2016-06-21. Review status: criteria provided, single submitter. Criteria: Ambry Variant Classification Scheme 2023. Collection method: clinical testing. Allele origin: germline.
Comment: The c.6740-1G>A intronic pathogenic mutation results from a G to A substitution one nucleotide upstream from coding exon 55 of the FBN1 gene. Since alterations that disrupt the canonical splice acceptor site are typically deleterious in nature, this alteration is interpreted as a disease-causing mutation (ACMG Recommendations for Standards for Interpretation and Reporting of Sequence Variations. Revision 2007. Genet Med. 2008;10:294).

NM_000138.5(FBN1):c.6740-1G>A

Gene: FBN1 (fibrillin 1; minus strand). Cytogenetic location: 15q21.1.
Variant type: single nucleotide variant.
Coding change: c.6740-1G>A on transcript NM_000138.5 (MANE Select); the canonical splice acceptor site of the intron before coding-DNA position 6740, G replaced by A.
Molecular consequence: splice acceptor variant.
Genome position (GRCh38, 1-based): chr15:48,430,803, C>T on the plus strand (G>A on the coding strand, the complement: FBN1 is on the minus strand). VCF-style: chr15-48430803-C-T. GRCh37 (hg19) VCF-style: chr15-48723000-C-T.
Other names: c.6740-1G>A (NM_001406716.1).
Identifiers: ClinVar variation 519724 (VCV000519724.8), dbSNP rs1555394781, ClinGen allele CA392332986.